The following is an entry in ClinVar:

ClinVar aggregate classification (germline): Uncertain significance. Review status: criteria provided, multiple submitters, no conflicts (2 of 4 stars). 2 submissions from 2 submitters: Uncertain significance (2). Last evaluated 2024-10-17.

Conditions:
Familial thoracic aortic aneurysm and aortic dissection (TAAD). Also called: Thoracic aortic aneurysms and dissections. Identifiers: Orphanet 91387, MedGen C4707243, MONDO:0019625.
Hereditary cancer-predisposing syndrome. Also called: Hereditary Cancer Syndrome; Neoplastic Syndromes, Hereditary; Tumor predisposition; Hereditary neoplastic syndrome. Identifiers: Orphanet 140162, MedGen C0027672, MeSH D009386, MONDO:0015356.
Juvenile polyposis syndrome (JPS). Identifiers: Orphanet 2929, MedGen C0345893, MONDO:0017380, OMIM 174900.

Allele frequency attached by ClinVar (database versions not stated): gnomAD exomes below 0.00001.
gnomAD v4.1: 1 of 1,613,832 alleles (0.000062%); highest among the groups gnomAD compares: Non-Finnish European, 0.000085%; no homozygotes.

Submissions (2):

Labcorp Genetics (formerly Invitae), Labcorp
Classification: Uncertain significance for Juvenile polyposis syndrome. Last evaluated: 2024-10-17. Review status: criteria provided, single submitter. Criteria: Invitae Variant Classification Sherloc (09022015). Collection method: clinical testing. Allele origin: germline.
Comment: This sequence change replaces proline, which is neutral and non-polar, with alanine, which is neutral and non-polar, at codon 548 of the SMAD4 protein (p.Pro548Ala). This variant is not present in population databases (gnomAD no frequency). This variant has not been reported in the literature in individuals affected with SMAD4-related conditions. ClinVar contains an entry for this variant (Variation ID: 230957). Invitae Evidence Modeling of protein sequence and biophysical properties (such as structural, functional, and spatial information, amino acid conservation, physicochemical variation, residue mobility, and thermodynamic stability) indicates that this missense variant is not expected to disrupt SMAD4 protein function with a negative predictive value of 95%. In summary, the available evidence is currently insufficient to determine the role of this variant in disease. Therefore, it has been classified as a Variant of Uncertain Significance.

Ambry Genetics
Classification: Uncertain significance for Hereditary cancer-predisposing syndrome; Familial thoracic aortic aneurysm and aortic dissection. Last evaluated: 2015-03-24. Review status: criteria provided, single submitter. Criteria: Ambry Variant Classification Scheme 2023. Collection method: clinical testing. Allele origin: germline.

NM_005359.6(SMAD4):c.1642C>G (p.Pro548Ala)

Gene: SMAD4 (SMAD family member 4; plus strand). Cytogenetic location: 18q21.2.
Variant type: single nucleotide variant.
Coding change: c.1642C>G on transcript NM_005359.6 (MANE Select); coding-DNA position 1642, C replaced by G.
Protein change: p.Pro548Ala; replaces proline 548 with alanine.
Molecular consequence: missense variant.
Genome position (GRCh38, 1-based): chr18:51,078,450, C>G. VCF-style: chr18-51078450-C-G. GRCh37 (hg19) VCF-style: chr18-48604820-C-G.
Other names: short protein forms P548A.
Identifiers: ClinVar variation 230957 (VCV000230957.7), dbSNP rs876658866, ClinGen allele CA10580993.